The following is an entry in ClinVar:

NM_018136.5(ASPM):c.972_973del (p.Asn324fs)

Gene: ASPM (assembly factor for spindle microtubules; minus strand). Cytogenetic location: 1q31.3.
Variant type: Deletion.
Coding change: c.972_973del on transcript NM_018136.5 (MANE Select); coding-DNA positions 972 to 973, 2 bases deleted (TA; older notation c.972_973delTA).
Protein change: p.Asn324fs; shifts the reading frame from asparagine 324.
Molecular consequence: frameshift variant.
Genome position (GRCh38, 1-based): chr1:197,143,279-197,143,280, TA deleted on the plus strand (TA on the coding strand, the reverse complement: ASPM is on the minus strand); deleting any 2 consecutive bases within chr1:197,143,279-197,143,281 gives the same sequence; the c. name uses the placement nearest the transcript's 3' end. VCF-style (leftmost placement, unchanged base first): chr1-197143278-CTA-C. GRCh37 (hg19) VCF-style: chr1-197112408-CTA-C.
Other names: c.972_973del, p.Asn324fs (NM_001206846.2); short protein forms N324fs.
Identifiers: ClinVar variation 438588 (VCV000438588.4), dbSNP rs765275884, ClinGen allele CA1310785.
Genomic context (GRCh38, chr1:197,143,278, plus strand): 5'-TTCATAAACATATCTGATGAAAGACATGTTACTAATTCTAGTTCATTATTAGCTCCATGA[CTA>C]TTATTTACAAAAGAATCTGGACTTAGAAAATGTATTTGGCTTTGTGTAATGTTCAAAGTT-3'

ClinVar aggregate classification (germline): Pathogenic/Likely pathogenic. Review status: criteria provided, multiple submitters, no conflicts (2 of 4 stars). 2 submissions from 2 submitters: Pathogenic (1); Likely pathogenic (1). Last evaluated 2023-11-27.

Conditions:
Microcephaly 5, primary, autosomal recessive (MCPH5). Also called: ASPM Primary Microcephaly. Identifiers: Orphanet 2512, MedGen C1837501, MONDO:0012106, OMIM 608716.

Submissions (2):

Labcorp Genetics (formerly Invitae), Labcorp
Classification: Pathogenic. Last evaluated: 2023-11-27. Review status: criteria provided, single submitter. Criteria: Invitae Variant Classification Sherloc (09022015). Collection method: clinical testing. Allele origin: germline.
Comment: This sequence change creates a premature translational stop signal (p.Asn324Lysfs*5) in the ASPM gene. It is expected to result in an absent or disrupted protein product. Loss-of-function variants in ASPM are known to be pathogenic (PMID: 19028728, 23611254). This variant is not present in population databases (gnomAD no frequency). This premature translational stop signal has been observed in individual(s) with clinical features of primary microcephaly (PMID: 29706646). ClinVar contains an entry for this variant (Variation ID: 438588). For these reasons, this variant has been classified as Pathogenic.

Lupski Lab, Baylor-Hopkins CMG, Baylor College of Medicine
Classification: Likely pathogenic for Microcephaly 5, primary, autosomal recessive. Last evaluated: 2017-09-01. Review status: criteria provided, single submitter. Criteria: Wiszniewski et al. (Eur J Hum Genet. 2018). Collection method: research. Allele origin: inherited, unknown. Inheritance: Autosomal recessive inheritance. Affected: yes and no. Observed: 2 variant alleles.

Literature cited by the submitters: PubMed 19028728 (cited by Labcorp Genetics (formerly Invitae), Labcorp); PubMed 23611254 (cited by Labcorp Genetics (formerly Invitae), Labcorp); PubMed 29706646 (cited by Labcorp Genetics (formerly Invitae), Labcorp).